The following is an entry in ClinVar:

ClinVar aggregate classification (germline): Uncertain significance (1 of 4 stars; one submission).

Conditions:
Lethal congenital glycogen storage disease of heart. Also called: GLYCOGEN STORAGE DISEASE OF HEART; PHOSPHORYLASE KINASE DEFICIENCY OF HEART. Identifiers: Orphanet 439854, MedGen C1849813, MONDO:0009867, OMIM 261740.

Submission:

Labcorp Genetics (formerly Invitae), Labcorp
Classification: Uncertain significance for Lethal congenital glycogen storage disease of heart. Last evaluated: 2022-07-21. Review status: criteria provided, single submitter. Criteria: Invitae Variant Classification Sherloc (09022015). Collection method: clinical testing. Allele origin: germline.
Comment: In summary, the available evidence is currently insufficient to determine the role of this variant in disease. Therefore, it has been classified as a Variant of Uncertain Significance. Algorithms developed to predict the effect of sequence changes on RNA splicing suggest that this variant may disrupt the consensus splice site. Advanced modeling of protein sequence and biophysical properties (such as structural, functional, and spatial information, amino acid conservation, physicochemical variation, residue mobility, and thermodynamic stability) performed at Invitae indicates that this missense variant is expected to disrupt PRKAG2 protein function. This variant has not been reported in the literature in individuals affected with PRKAG2-related conditions. This variant is not present in population databases (gnomAD no frequency). This sequence change replaces valine, which is neutral and non-polar, with glutamic acid, which is acidic and polar, at codon 525 of the PRKAG2 protein (p.Val525Glu).

NM_016203.4(PRKAG2):c.1574T>A (p.Val525Glu)

Gene: PRKAG2 (protein kinase AMP-activated non-catalytic subunit gamma 2; minus strand). Cytogenetic location: 7q36.1.
Variant type: single nucleotide variant.
Coding change: c.1574T>A on transcript NM_016203.4 (MANE Select); coding-DNA position 1574, T replaced by A.
Protein change: p.Val525Glu; replaces valine 525 with glutamic acid.
Molecular consequence: missense variant.
Genome position (GRCh38, 1-based): chr7:151,564,088, A>T on the plus strand (T>A on the coding strand, the complement: PRKAG2 is on the minus strand). VCF-style: chr7-151564088-A-T. GRCh37 (hg19) VCF-style: chr7-151261174-A-T.
Other names: c.1442T>A, p.Val481Glu (NM_001040633.2, NM_001407024.1); c.1199T>A, p.Val400Glu (NM_001304527.2, NM_001407029.1); c.851T>A, p.Val284Glu (NM_001304531.2, NM_001407034.1, NM_001407035.1 and 1 more transcripts); c.1202T>A, p.Val401Glu (NM_001363698.2, NM_001407028.1); c.1574T>A, p.Val525Glu (NM_001407021.1); c.1571T>A, p.Val524Glu (NM_001407022.1, NM_001407023.1); c.1439T>A, p.Val480Glu (NM_001407026.1, NM_001407027.1); c.1286T>A, p.Val429Glu (NM_001407030.1); and 6 more; short protein forms V283E, V284E, V300E, V304E, V400E, V401E, V417E, V419E.
Identifiers: ClinVar variation 1722148 (VCV001722148.5), dbSNP rs2536274628, ClinGen allele CA370070446.